The following is an entry in ClinVar:

NM_003835.4(RGS9):c.1533C>A (p.Ser511Arg)

Gene: RGS9 (regulator of G protein signaling 9; plus strand). Cytogenetic location: 17q24.1.
Variant type: single nucleotide variant.
Coding change: c.1533C>A on transcript NM_003835.4 (MANE Select); coding-DNA position 1533, C replaced by A.
Protein change: p.Ser511Arg; replaces serine 511 with arginine.
Molecular consequence: missense variant.
Genome position (GRCh38, 1-based): chr17:65,225,127, C>A. VCF-style: chr17-65225127-C-A. GRCh37 (hg19) VCF-style: chr17-63221245-C-A.
Other names: c.1524C>A, p.Ser508Arg (NM_001081955.3); short protein forms S511R, S508R.
Identifiers: ClinVar variation 2000201 (VCV002000201.5), dbSNP rs776630747, ClinGen allele CA400673467.

ClinVar aggregate classification (germline): Uncertain significance. Review status: criteria provided, multiple submitters, no conflicts (2 of 4 stars). 2 submissions from 2 submitters: Uncertain significance (2). Last evaluated 2022-05-28.

Conditions:
Inborn genetic diseases. Identifiers: MedGen C0950123, MeSH D030342.

Allele frequency attached by ClinVar (database versions not stated): TOPMed 0.00001.
gnomAD v4.1: 2 of 1,613,822 alleles (0.00012%); highest among the groups gnomAD compares: Non-Finnish European, 0.000085%; no homozygotes.

Submissions (2):

Labcorp Genetics (formerly Invitae), Labcorp
Classification: Uncertain significance. Last evaluated: 2022-05-28. Review status: criteria provided, single submitter. Criteria: Invitae Variant Classification Sherloc (09022015). Collection method: clinical testing. Allele origin: germline.
Comment: Algorithms developed to predict the effect of missense changes on protein structure and function (SIFT, PolyPhen-2, Align-GVGD) all suggest that this variant is likely to be tolerated. This variant has not been reported in the literature in individuals affected with RGS9-related conditions. This variant is not present in population databases (gnomAD no frequency). This sequence change replaces serine, which is neutral and polar, with arginine, which is basic and polar, at codon 511 of the RGS9 protein (p.Ser511Arg). In summary, the available evidence is currently insufficient to determine the role of this variant in disease. Therefore, it has been classified as a Variant of Uncertain Significance.

Ambry Genetics
Classification: Uncertain significance for Inborn genetic diseases. Last evaluated: 2022-04-22. Review status: criteria provided, single submitter. Criteria: Ambry Variant Classification Scheme 2023. Collection method: clinical testing. Allele origin: germline.